The following is an entry in ClinVar:

NM_001360016.2(G6PD):c.586A>T (p.Ile196Phe)

Gene: G6PD (glucose-6-phosphate dehydrogenase; minus strand). Cytogenetic location: Xq28.
Variant type: single nucleotide variant.
Coding change: c.586A>T on transcript NM_001360016.2 (MANE Select); coding-DNA position 586, A replaced by T.
Protein change: p.Ile196Phe; replaces isoleucine 196 with phenylalanine.
Molecular consequence: missense variant.
Genome position (GRCh38, 1-based): chrX:154,534,396, T>A on the plus strand (A>T on the coding strand, the complement: G6PD is on the minus strand). VCF-style: chrX-154534396-T-A. GRCh37 (hg19) VCF-style: chrX-153762611-T-A.
Other names: G6PD Changhua; c.676A>T, p.Ile226Phe (NM_000402.4); c.586A>T, p.Ile196Phe (NM_001042351.3); short protein forms I196F, I226F.
Identifiers: ClinVar variation 1722742 (VCV001722742.2), dbSNP rs2523267976, ClinGen allele CA415237875.

ClinVar aggregate classification (germline): Likely pathogenic (1 of 4 stars; one submission).

Conditions:
Anemia, nonspherocytic hemolytic, due to G6PD deficiency (CNSHA1). Also called: Hemolytic anemia due to G6PD deficiency; Class I glucose-6-phosphate dehydrogenase deficiency; Favism, susceptibility to; ANEMIA, CONGENITAL, NONSPHEROCYTIC HEMOLYTIC, 1. Identifiers: Orphanet 466026, MedGen C2720289, MONDO:0010480, OMIM 300908.

Submission:

Dunham Lab, University of Washington
Classification: Likely pathogenic for Anemia, nonspherocytic hemolytic, due to G6PD deficiency. Last evaluated: 2022-08-12. Review status: criteria provided, single submitter. Criteria: Bayesian ACMG Guidelines, 2018. Collection method: curation. Allele origin: unknown. Affected: yes.
Comment: Decreased activity in red blood cells of hemizygote (PS3). Not observed in gnomAD (PM2). Predicted to be damaging by SIFT, probably damaging by PolyPhen, and disease causing by Mutation Taster (PP3). Post_P 0.975 (odds of pathogenicity 350.3, Prior_P 0.1).

Literature cited by the submitters: PubMed 31294066.